The following is an entry in ClinVar:

NM_006231.4(POLE):c.2317A>G (p.Lys773Glu)

Gene: POLE (DNA polymerase epsilon, catalytic subunit; minus strand). Cytogenetic location: 12q24.33.
Variant type: single nucleotide variant.
Coding change: c.2317A>G on transcript NM_006231.4 (MANE Select); coding-DNA position 2317, A replaced by G.
Protein change: p.Lys773Glu; replaces lysine 773 with glutamic acid.
Molecular consequence: missense variant.
Genome position (GRCh38, 1-based): chr12:132,667,505, T>C on the plus strand (A>G on the coding strand, the complement: POLE is on the minus strand). VCF-style: chr12-132667505-T-C. GRCh37 (hg19) VCF-style: chr12-133244091-T-C.
Other names: c.2317A>G (NM_006231.2); short protein forms K773E.
Identifiers: ClinVar variation 568921 (VCV000568921.11), dbSNP rs1324963603, ClinGen allele CA387352068.

ClinVar aggregate classification (germline): Uncertain significance. Review status: criteria provided, multiple submitters, no conflicts (2 of 4 stars). 2 submissions from 2 submitters: Uncertain significance (2). Last evaluated 2025-10-30.

Conditions:
Hereditary cancer-predisposing syndrome. Also called: Neoplastic Syndromes, Hereditary; Tumor predisposition; Hereditary neoplastic syndrome; Hereditary Cancer Syndrome. Identifiers: Orphanet 140162, MedGen C0027672, MeSH D009386, MONDO:0015356.

Allele frequency attached by ClinVar (database versions not stated): gnomAD exomes below 0.00001 and 0.00001.
gnomAD v4.1: 3 of 1,614,064 alleles (0.00019%); no homozygotes.

Submissions (2):

Ambry Genetics
Classification: Uncertain significance for Hereditary cancer-predisposing syndrome. Last evaluated: 2025-10-30. Review status: criteria provided, single submitter. Criteria: Ambry Variant Classification Scheme 2023. Collection method: clinical testing. Allele origin: germline.
Comment: The p.K773E variant (also known as c.2317A>G), located in coding exon 20 of the POLE gene, results from an A to G substitution at nucleotide position 2317. The lysine at codon 773 is replaced by glutamic acid, an amino acid with similar properties. This amino acid position is conserved. In addition, the in silico prediction for this alteration is inconclusive. Since supporting evidence is limited at this time, the clinical significance of this alteration remains unclear.

Labcorp Genetics (formerly Invitae), Labcorp
Classification: Uncertain significance. Last evaluated: 2018-08-04. Review status: criteria provided, single submitter. Criteria: Invitae Variant Classification Sherloc (09022015). Collection method: clinical testing. Allele origin: germline.
Comment: In summary, the available evidence is currently insufficient to determine the role of this variant in disease. Therefore, it has been classified as a Variant of Uncertain Significance. This sequence change replaces lysine with glutamic acid at codon 773 of the POLE protein (p.Lys773Glu). The lysine residue is highly conserved and there is a small physicochemical difference between lysine and glutamic acid. This variant is not present in population databases (ExAC no frequency). This variant has not been reported in the literature in individuals with POLE-related disease. Algorithms developed to predict the effect of missense changes on protein structure and function (SIFT, PolyPhen-2, Align-GVGD) all suggest that this variant is likely to be disruptive, but these predictions have not been confirmed by published functional studies and their clinical significance is uncertain.